The following is an entry in ClinVar:

NM_000091.5(COL4A3):c.2381C>T (p.Pro794Leu)

Genes: COL4A3 (collagen type IV alpha 3 chain; plus strand), MFF-DT (MFF divergent transcript; minus strand). Cytogenetic location: 2q36.3.
Variant type: single nucleotide variant.
Coding change: c.2381C>T on transcript NM_000091.5 (MANE Select); coding-DNA position 2381, C replaced by T.
Protein change: p.Pro794Leu; replaces proline 794 with leucine.
Molecular consequence: missense variant.
Genome position (GRCh38, 1-based): chr2:227,280,899, C>T. VCF-style: chr2-227280899-C-T. GRCh37 (hg19) VCF-style: chr2-228145615-C-T.
Other names: short protein forms P794L.
Identifiers: ClinVar variation 585519 (VCV000585519.7), dbSNP rs1559895213, ClinGen allele CA350849368.
Genomic context (GRCh38, chr2:227,280,899, plus strand): 5'-TACCAAGACCTTAAGTTCTAGCACCTGGGTATATACTTGTGCTTTCTTTTGCAGGAGATC[C>T]AGGGCAGCCTGGACCACCTGGAGAACAAGGACCCCCAGGAAGGTGCATAGAGGGTCCCAG-3'
Protein context (NP_000082.2, residues 784-804): NEGLDGPRGD[Pro794Leu]GQPGPPGEQG

ClinVar aggregate classification (germline): Uncertain significance. Review status: criteria provided, multiple submitters, no conflicts (2 of 4 stars). 3 submissions from 3 submitters: Uncertain significance (2). 1 of the submissions does not count toward it. Last evaluated 2025-07-22.

Conditions:
Alport syndrome. Also called: Hemorrhagic familial nephritis; Hemorrhagic hereditary nephritis; Congenital hereditary hematuria. Identifiers: Orphanet 63, MedGen C1567741, MONDO:0018965.

Allele frequency attached by ClinVar (database versions not stated): gnomAD exomes 0.00001.

Submissions (3):

Labcorp Genetics (formerly Invitae), Labcorp
Classification: Uncertain significance. Last evaluated: 2025-07-22. Review status: criteria provided, single submitter. Criteria: Invitae Variant Classification Sherloc (09022015). Collection method: clinical testing. Allele origin: germline.
Comment: This sequence change replaces proline, which is neutral and non-polar, with leucine, which is neutral and non-polar, at codon 794 of the COL4A3 protein (p.Pro794Leu). This variant is not present in population databases (gnomAD no frequency). This variant has not been reported in the literature in individuals affected with COL4A3-related conditions. ClinVar contains an entry for this variant (Variation ID: 585519). Invitae Evidence Modeling of protein sequence and biophysical properties (such as structural, functional, and spatial information, amino acid conservation, physicochemical variation, residue mobility, and thermodynamic stability) has been performed for this missense variant. However, the output from this modeling did not meet the statistical confidence thresholds required to predict the impact of this variant on COL4A3 protein function. In summary, the available evidence is currently insufficient to determine the role of this variant in disease. Therefore, it has been classified as a Variant of Uncertain Significance.

Athena Diagnostics
Classification: Uncertain significance. Last evaluated: 2018-04-24. Review status: criteria provided, single submitter. Criteria: Athena Diagnostics Criteria. Collection method: clinical testing. Allele origin: germline.

Natera, Inc.
Classification: Uncertain significance for Alport syndrome. Last evaluated: 2021-03-05. Review status: no assertion criteria provided. Collection method: clinical testing. Allele origin: germline. Not counted in ClinVar's aggregate classification.